The following is an entry in ClinVar:

NM_015202.5(KATNIP):c.1129C>G (p.Pro377Ala)

Gene: KATNIP (katanin interacting protein; plus strand). Cytogenetic location: 16p12.1.
Variant type: single nucleotide variant.
Coding change: c.1129C>G on transcript NM_015202.5 (MANE Select); coding-DNA position 1129, C replaced by G.
Protein change: p.Pro377Ala; replaces proline 377 with alanine.
Molecular consequence: missense variant.
Genome position (GRCh38, 1-based): chr16:27,699,549, C>G. VCF-style: chr16-27699549-C-G. GRCh37 (hg19) VCF-style: chr16-27710870-C-G.
Other names: short protein forms P377A.
Identifiers: ClinVar variation 3373706 (VCV003373706.1).

ClinVar aggregate classification (germline): Uncertain significance (1 of 4 stars; one submission).

gnomAD v4.1: 4 of 1,614,044 alleles (0.00025%); highest among the groups gnomAD compares: Non-Finnish European, 0.00017%; no homozygotes.

Submission:

GeneDx
Classification: Uncertain significance. Last evaluated: 2024-03-07. Review status: criteria provided, single submitter. Criteria: GeneDx Variant Classification Process June 2021. Collection method: clinical testing. Allele origin: germline. Affected: yes.
Comment: Not observed at significant frequency in large population cohorts (gnomAD); In silico analysis supports that this missense variant does not alter protein structure/function; Has not been previously published as pathogenic or benign to our knowledge